The following is an entry in ClinVar:

NM_152618.3(BBS12):c.1577dup (p.Leu526fs)

Gene: BBS12 (Bardet-Biedl syndrome 12; plus strand). Cytogenetic location: 4q27.
Variant type: Duplication.
Coding change: c.1577dup on transcript NM_152618.3 (MANE Select); coding-DNA position 1577, one base duplicated (T; older notation c.1577dupT).
Protein change: p.Leu526fs; shifts the reading frame from leucine 526.
Molecular consequence: frameshift variant.
Genome position (GRCh38, 1-based): chr4:122,743,469, T duplicated; the last of 3 consecutive T bases (chr4:122,743,467-122,743,469); duplicating any one gives the same sequence. VCF-style (leftmost placement, unchanged base first): chr4-122743466-G-GT. GRCh37 (hg19) VCF-style: chr4-123664621-G-GT.
Other names: c.1577dup, p.Leu526fs (NM_001178007.2); short protein forms L526fs.
Identifiers: ClinVar variation 959043 (VCV000959043.6), dbSNP rs1800926856, ClinGen allele CA1139658637.

ClinVar aggregate classification (germline): Pathogenic (1 of 4 stars; one submission).

Conditions:
Bardet-Biedl syndrome (BBS). Identifiers: Orphanet 110, MedGen C0752166, MONDO:0015229.

Submission:

Labcorp Genetics (formerly Invitae), Labcorp
Classification: Pathogenic for Bardet-Biedl syndrome. Last evaluated: 2022-08-27. Review status: criteria provided, single submitter. Criteria: Invitae Variant Classification Sherloc (09022015). Collection method: clinical testing. Allele origin: germline.
Comment: This variant is not present in population databases (gnomAD no frequency). This sequence change creates a premature translational stop signal (p.Leu526Phefs*18) in the BBS12 gene. While this is not anticipated to result in nonsense mediated decay, it is expected to disrupt the last 185 amino acid(s) of the BBS12 protein. ClinVar contains an entry for this variant (Variation ID: 959043). This variant has not been reported in the literature in individuals affected with BBS12-related conditions. This variant disrupts a region of the BBS12 protein in which other variant(s) (p.Arg675*) have been determined to be pathogenic (PMID: 20827784, 21642631). This suggests that this is a clinically significant region of the protein, and that variants that disrupt it are likely to be disease-causing. For these reasons, this variant has been classified as Pathogenic.

Literature cited by the submitters: PubMed 20827784; PubMed 21642631.